The following is an entry in ClinVar:

NM_004239.4(TRIP11):c.3891G>C (p.Gln1297His)

Gene: TRIP11 (thyroid hormone receptor interactor 11; minus strand). Cytogenetic location: 14q32.12.
Variant type: single nucleotide variant.
Coding change: c.3891G>C on transcript NM_004239.4 (MANE Select); coding-DNA position 3891, G replaced by C.
Protein change: p.Gln1297His; replaces glutamine 1297 with histidine.
Molecular consequence: missense variant.
Genome position (GRCh38, 1-based): chr14:92,004,085, C>G on the plus strand (G>C on the coding strand, the complement: TRIP11 is on the minus strand). VCF-style: chr14-92004085-C-G. GRCh37 (hg19) VCF-style: chr14-92470429-C-G.
Other names: c.3888G>C, p.Gln1296His (NM_001321851.1); short protein forms Q1296H, Q1297H.
Identifiers: ClinVar variation 1028712 (VCV001028712.1), dbSNP rs2056864796, ClinGen allele CA390651190.

ClinVar aggregate classification (germline): Uncertain significance (1 of 4 stars; one submission).

Conditions:
Achondrogenesis, type IA (ACG1A). Identifiers: Orphanet 932, Orphanet 93299, MedGen C0265273, MONDO:0008701, OMIM 200600.

Submission:

Baylor Genetics
Classification: Uncertain significance for Achondrogenesis, type IA. Last evaluated: 2019-08-23. Review status: criteria provided, single submitter. Criteria: ACMG Guidelines, 2015. Collection method: clinical testing. Allele origin: unknown. Affected: yes.
Comment: This variant was determined to be of uncertain significance according to ACMG Guidelines, 2015 [PMID:25741868].